The following is an entry in ClinVar:

ClinVar aggregate classification (germline): Uncertain significance (1 of 4 stars; one submission).

Submission:

GeneDx
Classification: Uncertain significance. Last evaluated: 2023-03-01. Review status: criteria provided, single submitter. Criteria: GeneDx Variant Classification Process June 2021. Collection method: clinical testing. Allele origin: germline. Affected: yes.
Comment: Not observed at significant frequency in large population cohorts (gnomAD); In silico analysis supports that this missense variant has a deleterious effect on protein structure/function; Has not been previously published as pathogenic or benign to our knowledge

NM_003482.4(KMT2D):c.5771C>T (p.Pro1924Leu)

Gene: KMT2D (lysine methyltransferase 2D; minus strand). Cytogenetic location: 12q13.12.
Variant type: single nucleotide variant.
Coding change: c.5771C>T on transcript NM_003482.4 (MANE Select); coding-DNA position 5771, C replaced by T.
Protein change: p.Pro1924Leu; replaces proline 1924 with leucine.
Molecular consequence: missense variant.
Genome position (GRCh38, 1-based): chr12:49,042,752, G>A on the plus strand (C>T on the coding strand, the complement: KMT2D is on the minus strand). VCF-style: chr12-49042752-G-A. GRCh37 (hg19) VCF-style: chr12-49436535-G-A.
Other names: short protein forms P1924L.
Identifiers: ClinVar variation 2578232 (VCV002578232.1), dbSNP rs1943599650, ClinGen allele CA384628727.